The following is an entry in ClinVar:

ClinVar aggregate classification (germline): Likely pathogenic. Review status: criteria provided, single submitter (1 of 4 stars). 3 submissions from 3 submitters: Likely pathogenic (1). 2 of the submissions do not count toward it. Last evaluated 2024-04-15.

Conditions:
Skeletal dysplasia. Also called: Primary bone dysplasia. Identifiers: Orphanet 364526, MedGen C0410528, MONDO:0018230, HP:0002652.
Spondyloepimetaphyseal dysplasia, Maroteaux type (SEDM). Also called: PSEUDO-MORQUIO SYNDROME, TYPE 2; Spondyloepimetaphyseal Dysplasia, TRPV4-Related (Maroteaux Type); SED, MAROTEAUX TYPE. Identifiers: Orphanet 263482, MedGen C3159322, MONDO:0008473, OMIM 184095.
Charcot-Marie-Tooth disease axonal type 2C (HMSN2C). Also called: Charcot-Marie-Tooth Disease Type 2, TRPV4-Related (CMT2C); CHARCOT-MARIE-TOOTH DISEASE, AXONAL, AUTOSOMAL DOMINANT, TYPE 2C; Charcot-Marie-Tooth Neuropathy Type 2C. Identifiers: Orphanet 99937, MedGen C1853710, MONDO:0011633, OMIM 606071.

Submissions (3):

Labcorp Genetics (formerly Invitae), Labcorp
Classification: Likely pathogenic for Charcot-Marie-Tooth disease axonal type 2C. Last evaluated: 2024-04-15. Review status: criteria provided, single submitter. Criteria: Invitae Variant Classification Sherloc (09022015). Collection method: clinical testing. Allele origin: germline.
Comment: This sequence change replaces glutamic acid, which is acidic and polar, with lysine, which is basic and polar, at codon 183 of the TRPV4 protein (p.Glu183Lys). This variant is not present in population databases (gnomAD no frequency). This missense change has been observed in individuals with clinical features of TRPV4-related conditions (PMID: 20503319; Invitae). ClinVar contains an entry for this variant (Variation ID: 18437). Advanced modeling of protein sequence and biophysical properties (such as structural, functional, and spatial information, amino acid conservation, physicochemical variation, residue mobility, and thermodynamic stability) performed at Invitae indicates that this missense variant is expected to disrupt TRPV4 protein function with a positive predictive value of 95%. Experimental studies have shown that this missense change affects TRPV4 function (PMID: 22702953). This variant disrupts the p.Gly183 amino acid residue in TRPV4. Other variant(s) that disrupt this residue have been observed in individuals with TRPV4-related conditions (PMID: 20503319, 25802885; Invitae), which suggests that this may be a clinically significant amino acid residue. In summary, the currently available evidence indicates that the variant is pathogenic, but additional data are needed to prove that conclusively. Therefore, this variant has been classified as Likely Pathogenic.

OMIM
Classification: Pathogenic for SPONDYLOEPIPHYSEAL DYSPLASIA, MAROTEAUX TYPE. Last evaluated: 2010-06-01. Review status: no assertion criteria provided. Collection method: literature only. Allele origin: germline. Not counted in ClinVar's aggregate classification.

GeneReviews
No classification provided. Condition: Skeletal dysplasia. Review status: no classification provided. Collection method: literature only. Allele origin: germline. Affected: yes. Not counted in ClinVar's aggregate classification.

Literature cited by the submitters: PubMed 20503319 (cited by Labcorp Genetics (formerly Invitae), Labcorp and OMIM); PubMed 22702953 (cited by Labcorp Genetics (formerly Invitae), Labcorp); PubMed 25802885 (cited by Labcorp Genetics (formerly Invitae), Labcorp); PubMed 12884428 (cited by OMIM); NCBI Bookshelf NBK201366 (cited by GeneReviews).

NM_021625.5(TRPV4):c.547G>A (p.Glu183Lys)

Gene: TRPV4 (transient receptor potential cation channel subfamily V member 4; minus strand). Cytogenetic location: 12q24.11.
Variant type: single nucleotide variant.
Coding change: c.547G>A on transcript NM_021625.5 (MANE Select); coding-DNA position 547, G replaced by A.
Protein change: p.Glu183Lys; replaces glutamic acid 183 with lysine.
Molecular consequence: missense variant.
Genome position (GRCh38, 1-based): chr12:109,808,308, C>T on the plus strand (G>A on the coding strand, the complement: TRPV4 is on the minus strand). VCF-style: chr12-109808308-C-T. GRCh37 (hg19) VCF-style: chr12-110246113-C-T.
Other names: c.547G>A, p.Glu183Lys (NM_001177428.2, NM_001177433.2, NM_147204.3); c.445G>A, p.Glu149Lys (NM_001177431.2); short protein forms E183K, E149K.
Identifiers: ClinVar variation 18437 (VCV000018437.11), dbSNP rs387906324, ClinGen allele CA117197.